The following is an entry in ClinVar:

NM_000092.5(COL4A4):c.4796A>G (p.Tyr1599Cys)

Gene: COL4A4 (collagen type IV alpha 4 chain; minus strand). Cytogenetic location: 2q36.3.
Variant type: single nucleotide variant.
Coding change: c.4796A>G on transcript NM_000092.5 (MANE Select); coding-DNA position 4796, A replaced by G.
Protein change: p.Tyr1599Cys; replaces tyrosine 1599 with cysteine.
Molecular consequence: missense variant.
Genome position (GRCh38, 1-based): chr2:227,008,031, T>C on the plus strand (A>G on the coding strand, the complement: COL4A4 is on the minus strand). VCF-style: chr2-227008031-T-C. GRCh37 (hg19) VCF-style: chr2-227872747-T-C.
Other names: short protein forms Y1599C.
Identifiers: ClinVar variation 3683776 (VCV003683776.3).

ClinVar aggregate classification (germline): Uncertain significance. Review status: criteria provided, multiple submitters, no conflicts (2 of 4 stars). 2 submissions from 2 submitters: Uncertain significance (2). Last evaluated 2026-05-05.

Conditions:
Inborn genetic diseases. Identifiers: MedGen C0950123, MeSH D030342.

Submissions (2):

Ambry Genetics
Classification: Uncertain significance for Inborn genetic diseases. Last evaluated: 2026-05-05. Review status: criteria provided, single submitter. Criteria: Ambry Variant Classification Scheme 2023. Collection method: clinical testing. Allele origin: germline.

Labcorp Genetics (formerly Invitae), Labcorp
Classification: Uncertain significance. Last evaluated: 2024-08-06. Review status: criteria provided, single submitter. Criteria: Invitae Variant Classification Sherloc (09022015). Collection method: clinical testing. Allele origin: germline.
Comment: This sequence change replaces tyrosine, which is neutral and polar, with cysteine, which is neutral and slightly polar, at codon 1599 of the COL4A4 protein (p.Tyr1599Cys). This variant is not present in population databases (gnomAD no frequency). This variant has not been reported in the literature in individuals affected with COL4A4-related conditions. Advanced modeling of protein sequence and biophysical properties (such as structural, functional, and spatial information, amino acid conservation, physicochemical variation, residue mobility, and thermodynamic stability) has been performed at Invitae for this missense variant, however the output from this modeling did not meet the statistical confidence thresholds required to predict the impact of this variant on COL4A4 protein function. In summary, the available evidence is currently insufficient to determine the role of this variant in disease. Therefore, it has been classified as a Variant of Uncertain Significance.